The following is an entry in ClinVar:

ClinVar aggregate classification (germline): Pathogenic (1 of 4 stars; one submission).

Conditions:
Cornelia de Lange syndrome 1 (CDLS1). Also called: Brachmann de Lange syndrome; TYPUS DEGENERATIVUS AMSTELODAMENSIS; NIPBL-Related Cornelia de Lange Syndrome. Identifiers: Orphanet 199, MedGen C4551851, MONDO:0007387, OMIM 122470.

Submission:

Labcorp Genetics (formerly Invitae), Labcorp
Classification: Pathogenic for Cornelia de Lange syndrome 1. Last evaluated: 2024-09-11. Review status: criteria provided, single submitter. Criteria: Invitae Variant Classification Sherloc (09022015). Collection method: clinical testing. Allele origin: germline.
Comment: This sequence change creates a premature translational stop signal (p.Ala2432*) in the NIPBL gene. It is expected to result in an absent or disrupted protein product. Loss-of-function variants in NIPBL are known to be pathogenic (PMID: 15318302, 19763162, 23505322, 29995837). This variant is not present in population databases (gnomAD no frequency). This variant has not been reported in the literature in individuals affected with NIPBL-related conditions. For these reasons, this variant has been classified as Pathogenic.

Literature cited by the submitters: PubMed 15318302; PubMed 19763162; PubMed 23505322; PubMed 29995837.

NM_133433.4(NIPBL):c.7292_7293dup (p.Ala2432Ter)

Gene: NIPBL (NIPBL cohesin loading factor; plus strand). Cytogenetic location: 5p13.2.
Variant type: Microsatellite.
Coding change: c.7292_7293dup on transcript NM_133433.4 (MANE Select); coding-DNA positions 7292 to 7293, 2 bases duplicated (TA; older notation c.7292_7293dupTA).
Protein change: p.Ala2432Ter; replaces alanine 2432 with a stop codon.
Molecular consequence: nonsense.
Genome position (GRCh38, 1-based): chr5:37,057,214-37,057,215, TA duplicated; duplicating any 2 consecutive bases within chr5:37,057,210-37,057,215 gives the same sequence; the c. name uses the placement nearest the transcript's 3' end. VCF-style (leftmost placement, unchanged base first): chr5-37057209-G-GTA. GRCh37 (hg19) VCF-style: chr5-37057311-G-GTA.
Other names: c.7292_7293dup, p.Ala2432Ter (NM_015384.5); short protein forms A2432*.
Identifiers: ClinVar variation 3706986 (VCV003706986.2).